The following is an entry in ClinVar:

NM_000376.3(VDR):c.176C>T (p.Thr59Ile)

Gene: VDR (vitamin D receptor; minus strand). Cytogenetic location: 12q13.11.
Variant type: single nucleotide variant.
Coding change: c.176C>T on transcript NM_000376.3 (MANE Select); coding-DNA position 176, C replaced by T.
Protein change: p.Thr59Ile; replaces threonine 59 with isoleucine.
Molecular consequence: missense variant.
Genome position (GRCh38, 1-based): chr12:47,865,148, G>A on the plus strand (C>T on the coding strand, the complement: VDR is on the minus strand). VCF-style: chr12-47865148-G-A. GRCh37 (hg19) VCF-style: chr12-48258931-G-A.
Other names: c.176C>T, p.Thr59Ile (NM_001017535.2, NM_001364085.2, NM_001374661.1 and 1 more transcripts); c.326C>T, p.Thr109Ile (NM_001017536.2); short protein forms T109I, T59I.
Identifiers: ClinVar variation 717364 (VCV000717364.12), dbSNP rs145002466, ClinGen allele CA6534007.

ClinVar aggregate classification (germline): Conflicting classifications of pathogenicity. Review status: criteria provided, conflicting classifications (1 of 4 stars). 3 submissions from 3 submitters: Uncertain significance (1); Likely benign (1). 1 of the submissions does not count toward it. Last evaluated 2026-01-28.

Conditions:
VDR-related disorder. Also called: VDR-related condition.

Allele frequency attached by ClinVar (database versions not stated): gnomAD exomes 0.00007 and 0.00021; ExAC 0.00026; 1000 Genomes Project 30x 0.00047; 1000 Genomes Project 0.00060; ESP Exome Variant Server 0.00069; gnomAD 0.00069 and 0.00073; TOPMed 0.00073.

Submissions (3):

Labcorp Genetics (formerly Invitae), Labcorp
Classification: Likely benign. Last evaluated: 2026-01-28. Review status: criteria provided, single submitter. Criteria: Invitae Variant Classification Sherloc (09022015). Collection method: clinical testing. Allele origin: germline.

GeneDx
Classification: Uncertain significance. Last evaluated: 2024-12-02. Review status: criteria provided, single submitter. Criteria: GeneDx Variant Classification Process June 2021. Collection method: clinical testing. Allele origin: germline. Affected: yes.
Comment: Identified in a cohort of patients with DSD in an individual who also harbored variants in other genes (PMID: 37432935); In silico analysis supports that this missense variant has a deleterious effect on protein structure/function; This variant is associated with the following publications: (PMID: 37432935)

PreventionGenetics, part of Exact Sciences
Classification: Likely benign for VDR-related condition. Last evaluated: 2023-02-24. Review status: no assertion criteria provided. Collection method: clinical testing. Allele origin: germline. Not counted in ClinVar's aggregate classification.
Comment: This variant is classified as likely benign based on ACMG/AMP sequence variant interpretation guidelines (Richards et al. 2015 PMID: 25741868, with internal and published modifications).